The following is an entry in ClinVar:

ClinVar aggregate classification (germline): Uncertain significance (1 of 4 stars; one submission).

Conditions:
Long QT syndrome (LQTS). Identifiers: MedGen C0023976, MeSH D008133, MONDO:0002442. Disease mechanism: loss of function. Inheritance: Various modes of inheritance.

Submission:

Labcorp Genetics (formerly Invitae), Labcorp
Classification: Uncertain significance for Long QT syndrome. Last evaluated: 2025-07-20. Review status: criteria provided, single submitter. Criteria: Invitae Variant Classification Sherloc (09022015). Collection method: clinical testing. Allele origin: germline.
Comment: This sequence change replaces phenylalanine, which is neutral and non-polar, with tyrosine, which is neutral and polar, at codon 479 of the KCNQ1 protein (p.Phe479Tyr). This variant is not present in population databases (gnomAD no frequency). This variant has not been reported in the literature in individuals affected with KCNQ1-related conditions. ClinVar contains an entry for this variant (Variation ID: 1037407). Invitae Evidence Modeling of protein sequence and biophysical properties (such as structural, functional, and spatial information, amino acid conservation, physicochemical variation, residue mobility, and thermodynamic stability) has been performed for this missense variant. However, the output from this modeling did not meet the statistical confidence thresholds required to predict the impact of this variant on KCNQ1 protein function. In summary, the available evidence is currently insufficient to determine the role of this variant in disease. Therefore, it has been classified as a Variant of Uncertain Significance.

NM_000218.3(KCNQ1):c.1436T>A (p.Phe479Tyr)

Genes: KCNQ1 (potassium voltage-gated channel subfamily Q member 1; plus strand), KCNQ1OT1 (KCNQ1 opposite strand/antisense transcript 1; minus strand). Cytogenetic location: 11p15.5.
Variant type: single nucleotide variant.
Coding change: c.1436T>A on transcript NM_000218.3 (MANE Select); coding-DNA position 1436, T replaced by A.
Protein change: p.Phe479Tyr; replaces phenylalanine 479 with tyrosine.
Molecular consequence: missense variant.
Genome position (GRCh38, 1-based): chr11:2,662,003, T>A. VCF-style: chr11-2662003-T-A. GRCh37 (hg19) VCF-style: chr11-2683233-T-A.
Other names: c.1340T>A, p.Phe447Tyr (NM_001406836.1); c.1166T>A, p.Phe389Tyr (NM_001406837.1); c.896T>A, p.Phe299Tyr (NM_001406838.1); c.1055T>A, p.Phe352Tyr (NM_181798.2); short protein forms F479Y, F352Y, F389Y, F299Y, F447Y.
Identifiers: ClinVar variation 1037407 (VCV001037407.9), dbSNP rs1849965891, ClinGen allele CA379479513.